The following is an entry in ClinVar:

ClinVar aggregate classification (germline): Conflicting classifications of pathogenicity. Review status: criteria provided, conflicting classifications (1 of 4 stars). 3 submissions from 3 submitters: Uncertain significance (1); Likely benign (2). Last evaluated 2026-05-21.

Conditions:
TRRAP-related disorder. Also called: TRRAP-related condition.
Developmental delay with or without dysmorphic facies and autism. Identifiers: MedGen C5193106, MONDO:0032760, OMIM 618454.

Allele frequency attached by ClinVar (database versions not stated): gnomAD 0.00001; ExAC 0.00002; 1000 Genomes Project 30x 0.00047; 1000 Genomes Project 0.00060.
gnomAD v4.1: 10 of 1,610,406 alleles (0.00062%); highest among the groups gnomAD compares: South Asian, 0.0099%; no homozygotes.

Submissions (3):

Centre for Medical Genetics,  Mumbai
Classification: Likely benign for Developmental delay with or without dysmorphic facies and autism. Last evaluated: 2026-05-21. Review status: criteria provided, single submitter. Criteria: ACMG Guidelines, 2015. Collection method: provider interpretation. Allele origin: germline. Inheritance: Autosomal dominant inheritance. Affected: no. Observed: 1 variant allele, 1 heterozygote.
Comment: The variant satisfies PM2 criteria - extremely low frequency in gnomAD population databases. The variant satisfies PP3 criteria - for a missense or a splicing region variant, computational prediction tools unanimously support a deleterious effect on the gene. However, the variant satisfies BS2 criteria - present in heterozygous state in an individual that clinically does not have developmental delay, dysmorphic facies and autism.

Labcorp Genetics (formerly Invitae), Labcorp
Classification: Uncertain significance. Last evaluated: 2026-01-24. Review status: criteria provided, single submitter. Criteria: Invitae Variant Classification Sherloc (09022015). Collection method: clinical testing. Allele origin: germline.
Comment: This sequence change falls in intron 29 of the TRRAP gene. It does not directly change the encoded amino acid sequence of the TRRAP protein. It affects a nucleotide within the consensus splice site. This variant is present in population databases (rs542310207, gnomAD 0.01%). This variant has not been reported in the literature in individuals affected with TRRAP-related conditions. ClinVar contains an entry for this variant (Variation ID: 2966755). Variants that disrupt the consensus splice site are a relatively common cause of aberrant splicing (PMID: 17576681, 9536098). Algorithms developed to predict the effect of sequence changes on RNA splicing suggest that this variant is not likely to affect RNA splicing. In summary, the available evidence is currently insufficient to determine the role of this variant in disease. Therefore, it has been classified as a Variant of Uncertain Significance.

PreventionGenetics, part of Exact Sciences
Classification: Likely benign for TRRAP-related condition. Last evaluated: 2025-07-29. Review status: criteria provided, single submitter. Criteria: ACMG Guidelines, 2015. Collection method: clinical testing. Allele origin: germline.
Comment: This variant is classified as likely benign based on ACMG/AMP sequence variant interpretation guidelines (Richards et al. 2015 PMID: 25741868, with internal and published modifications).

Literature cited by the submitters: PubMed 30424743 (cited by Centre for Medical Genetics,  Mumbai); PubMed 17576681 (cited by Labcorp Genetics (formerly Invitae), Labcorp); PubMed 9536098 (cited by Labcorp Genetics (formerly Invitae), Labcorp).

NM_001375524.1(TRRAP):c.4233+5G>A

Gene: TRRAP (transformation/transcription domain associated protein; plus strand). Cytogenetic location: 7q22.1.
Variant type: single nucleotide variant.
Coding change: c.4233+5G>A on transcript NM_001375524.1 (MANE Select); 5 bases into the intron after coding-DNA position 4233, G replaced by A.
Molecular consequence: intron variant.
Genome position (GRCh38, 1-based): chr7:98,937,282, G>A. VCF-style: chr7-98937282-G-A. GRCh37 (hg19) VCF-style: chr7-98534905-G-A.
Other names: c.4233+5G>A (NM_003496.3, NM_001244580.2, NM_003496.4).
Identifiers: ClinVar variation 2966755 (VCV002966755.5), dbSNP rs542310207, ClinGen allele CA4360180.